The following is an entry in ClinVar:

NM_001374736.1(DST):c.22383T>A (p.Asp7461Glu)

Gene: DST (dystonin; minus strand). Cytogenetic location: 6p12.1.
Variant type: single nucleotide variant.
Coding change: c.22383T>A on transcript NM_001374736.1 (MANE Select); coding-DNA position 22383, T replaced by A.
Protein change: p.Asp7461Glu; replaces aspartic acid 7461 with glutamic acid.
Molecular consequence: missense variant.
Genome position (GRCh38, 1-based): chr6:56,470,221, A>T on the plus strand (T>A on the coding strand, the complement: DST is on the minus strand). VCF-style: chr6-56470221-A-T. GRCh37 (hg19) VCF-style: chr6-56335019-A-T.
Other names: c.16026T>A, p.Asp5342Glu (NM_001144769.5); c.15612T>A, p.Asp5204Glu (NM_001144770.2); c.22383T>A, p.Asp7461Glu (NM_001374722.1); c.21423T>A, p.Asp7141Glu (NM_001374729.1); c.15165T>A, p.Asp5055Glu (NM_001374730.1); c.22410T>A, p.Asp7470Glu (NM_001374734.1); c.15492T>A, p.Asp5164Glu (NM_001386100.1, NM_183380.4); c.14514T>A, p.Asp4838Glu (NM_015548.5); short protein forms D5164E, D5204E, D5342E, D7470E, D5055E, D4838E, D7141E, D7461E.
Identifiers: ClinVar variation 1391099 (VCV001391099.6), dbSNP rs2152394775, ClinGen allele CA364507032.

ClinVar aggregate classification (germline): Uncertain significance (1 of 4 stars; one submission).

Conditions:
Hereditary sensory and autonomic neuropathy type 6. Also called: HSAN VI; Neuropathy, hereditary sensory and autonomic, type VI. Identifiers: Orphanet 314381, MedGen C3539003, MONDO:0013839, OMIM 614653.
Epidermolysis bullosa simplex 3, localized or generalized intermediate, with BP230 deficiency (EBS3). Also called: Epidermolysis bullosa simplex due to BP230 deficiency; Epidermolysis bullosa simplex, autosomal recessive 2. Identifiers: Orphanet 412181, MedGen C3809470, MONDO:0014180, OMIM 615425.

Submission:

Labcorp Genetics (formerly Invitae), Labcorp
Classification: Uncertain significance for Epidermolysis bullosa simplex 3, localized or generalized intermediate, with BP230 deficiency; Hereditary sensory and autonomic neuropathy type 6. Last evaluated: 2021-09-14. Review status: criteria provided, single submitter. Criteria: Invitae Variant Classification Sherloc (09022015). Collection method: clinical testing. Allele origin: germline.
Comment: In summary, the available evidence is currently insufficient to determine the role of this variant in disease. Therefore, it has been classified as a Variant of Uncertain Significance. Experimental studies and prediction algorithms are not available or were not evaluated, and the functional significance of this variant is currently unknown. This variant has not been reported in the literature in individuals affected with DST-related conditions. This variant is not present in population databases (ExAC no frequency). This sequence change replaces aspartic acid with glutamic acid at codon 4838 of the DST protein (p.Asp4838Glu). The DST gene has multiple clinically relevant transcripts. This variant occurs in alternate transcript NM_015548.4, and corresponds to NM_001723.5:c.*145296T>A in the primary transcript.